The following is an entry in ClinVar:

NM_001018115.3(FANCD2):c.1717A>G (p.Ile573Val)

Genes: FANCD2 (FA complementation group D2; plus strand), LOC107303338 (3p25 FANCD2 Alu-mediated recombination region; plus strand). Cytogenetic location: 3p25.3.
Variant type: single nucleotide variant.
Coding change: c.1717A>G on transcript NM_001018115.3 (MANE Select); coding-DNA position 1717, A replaced by G.
Protein change: p.Ile573Val; replaces isoleucine 573 with valine.
Molecular consequence: missense variant.
Genome position (GRCh38, 1-based): chr3:10,060,354, A>G. VCF-style: chr3-10060354-A-G. GRCh37 (hg19) VCF-style: chr3-10102038-A-G.
Other names: c.1717A>G, p.Ile573Val (NM_001319984.2, NM_001374254.1, NM_033084.6); c.1606A>G, p.Ile536Val (NM_001374253.1); short protein forms I536V, I573V.
Identifiers: ClinVar variation 2066019 (VCV002066019.2), dbSNP rs766529679, ClinGen allele CA2249768.

ClinVar aggregate classification (germline): Uncertain significance (1 of 4 stars; one submission).

Conditions:
Fanconi anemia (FA). Also called: Fanconi's anemia. Identifiers: Orphanet 84, MedGen C0015625, MeSH D005199, MONDO:0019391.

Allele frequency attached by ClinVar (database versions not stated): TOPMed 0.00001; ExAC 0.00002.
gnomAD v4.1: 6 of 1,613,232 alleles (0.00037%); highest among the groups gnomAD compares: East Asian, 0.011%; no homozygotes.

Submission:

Labcorp Genetics (formerly Invitae), Labcorp
Classification: Uncertain significance for Fanconi anemia. Last evaluated: 2025-04-17. Review status: criteria provided, single submitter. Criteria: Invitae Variant Classification Sherloc (09022015). Collection method: clinical testing. Allele origin: germline.
Comment: This sequence change replaces isoleucine, which is neutral and non-polar, with valine, which is neutral and non-polar, at codon 573 of the FANCD2 protein (p.Ile573Val). This variant is present in population databases (rs766529679, gnomAD 0.02%). This variant has not been reported in the literature in individuals affected with FANCD2-related conditions. ClinVar contains an entry for this variant (Variation ID: 2066019). Invitae Evidence Modeling of protein sequence and biophysical properties (such as structural, functional, and spatial information, amino acid conservation, physicochemical variation, residue mobility, and thermodynamic stability) indicates that this missense variant is not expected to disrupt FANCD2 protein function with a negative predictive value of 80%. In summary, the available evidence is currently insufficient to determine the role of this variant in disease. Therefore, it has been classified as a Variant of Uncertain Significance.